The following is an entry in ClinVar:

NM_000182.5(HADHA):c.1886-16T>C

Genes: HADHA (hydroxyacyl-CoA dehydrogenase trifunctional multienzyme complex subunit alpha; minus strand), GAREM2 (GRB2 associated regulator of MAPK1 subtype 2; plus strand). Cytogenetic location: 2p23.3.
Variant type: single nucleotide variant.
Coding change: c.1886-16T>C on transcript NM_000182.5 (MANE Select); 16 bases into the intron before coding-DNA position 1886, T replaced by C.
Molecular consequence: intron variant.
Genome position (GRCh38, 1-based): chr2:26,192,440, A>G on the plus strand (T>C on the coding strand, the complement: HADHA is on the minus strand). VCF-style: chr2-26192440-A-G. GRCh37 (hg19) VCF-style: chr2-26415309-A-G.
Identifiers: ClinVar variation 510598 (VCV000510598.5), dbSNP rs376113444, ClinGen allele CA1559424.

ClinVar aggregate classification (germline): Likely benign. Review status: criteria provided, multiple submitters, no conflicts (2 of 4 stars). 3 submissions from 3 submitters: Likely benign (3). Last evaluated 2026-01-18.

Conditions:
Mitochondrial trifunctional protein deficiency. Identifiers: Orphanet 746, MedGen C1969443, MONDO:0012172.
Long chain 3-hydroxyacyl-CoA dehydrogenase deficiency. Also called: LCHAD Deficiency; Deficiency of long-chain 3-hydroxyacyl-coenzyme A dehydrogenase. Identifiers: Orphanet 5, MedGen C3711645, MONDO:0012173, OMIM 609016.

Allele frequency attached by ClinVar (database versions not stated): TOPMed 0.00006; gnomAD 0.00008 and 0.00009; ExAC 0.00010; gnomAD exomes 0.00011 and 0.00015; ESP Exome Variant Server 0.00023.
gnomAD v4.1: 175 of 1,282,520 alleles (0.014%); highest among the groups gnomAD compares: South Asian, 0.046%; no homozygotes.

Submissions (3):

Labcorp Genetics (formerly Invitae), Labcorp
Classification: Likely benign for Mitochondrial trifunctional protein deficiency; Long chain 3-hydroxyacyl-CoA dehydrogenase deficiency. Last evaluated: 2026-01-18. Review status: criteria provided, single submitter. Criteria: Invitae Variant Classification Sherloc (09022015). Collection method: clinical testing. Allele origin: germline.

GeneDx
Classification: Likely benign. Last evaluated: 2017-07-10. Review status: criteria provided, single submitter. Criteria: GeneDx Variant Classification (06012015). Collection method: clinical testing. Allele origin: germline. Affected: yes.
Comment: This variant is considered likely benign or benign based on one or more of the following criteria: it is a conservative change, it occurs at a poorly conserved position in the protein, it is predicted to be benign by multiple in silico algorithms, and/or has population frequency not consistent with disease.

Breakthrough Genomics
Classification: Likely benign. Review status: criteria provided, single submitter. Criteria: ACMG Guidelines, 2015. Collection method: not provided. Allele origin: germline. Inheritance: Autosomal recessive inheritance. Affected: yes.